The following is an entry in ClinVar:

ClinVar aggregate classification (germline): Uncertain significance (1 of 4 stars; one submission).

Conditions:
Kabuki syndrome 1 (KABUK1). Also called: KMT2D-Related Kabuki Syndrome. Identifiers: Orphanet 2322, MedGen CN030661, MONDO:0007843, OMIM 147920.

Submission:

HudsonAlpha Institute for Biotechnology
Classification: Uncertain significance for Kabuki syndrome 1. Last evaluated: 2020-09-18. Review status: criteria provided, single submitter. Criteria: ACMG Guidelines, 2015. Collection method: research. Allele origin: maternal. Observed: 1 variant allele. Study: CSER-SouthSeq.
Comment: ACMG codes:PM2, PP3

NM_003482.4(KMT2D):c.15989C>G (p.Pro5330Arg)

Gene: KMT2D (lysine methyltransferase 2D; minus strand). Cytogenetic location: 12q13.12.
Variant type: single nucleotide variant.
Coding change: c.15989C>G on transcript NM_003482.4 (MANE Select); coding-DNA position 15989, C replaced by G.
Protein change: p.Pro5330Arg; replaces proline 5330 with arginine.
Molecular consequence: missense variant.
Genome position (GRCh38, 1-based): chr12:49,024,641, G>C on the plus strand (C>G on the coding strand, the complement: KMT2D is on the minus strand). VCF-style: chr12-49024641-G-C. GRCh37 (hg19) VCF-style: chr12-49418424-G-C.
Other names: short protein forms P5330R.
Identifiers: ClinVar variation 982431 (VCV000982431.1), dbSNP rs1942485576, ClinGen allele CA384681512.